The following is an entry in ClinVar:

ClinVar aggregate classification (germline): Uncertain significance. Review status: criteria provided, multiple submitters, no conflicts (2 of 4 stars). 2 submissions from 2 submitters: Uncertain significance (2). Last evaluated 2025-10-10.

Conditions:
DICER1-related tumor predisposition. Also called: DICER1-related pleuropulmonary blastoma cancer predisposition syndrome; DICER1 syndrome. Identifiers: Orphanet 284343, MedGen C3839822, MONDO:0100216.
Hereditary cancer-predisposing syndrome. Also called: Tumor predisposition; Neoplastic Syndromes, Hereditary; Hereditary Cancer Syndrome; Hereditary neoplastic syndrome. Identifiers: Orphanet 140162, MedGen C0027672, MeSH D009386, MONDO:0015356.

Allele frequency attached by ClinVar (database versions not stated): TOPMed below 0.00001.

Submissions (2):

Ambry Genetics
Classification: Uncertain significance for Hereditary cancer-predisposing syndrome. Last evaluated: 2025-10-10. Review status: criteria provided, single submitter. Criteria: Ambry Variant Classification Scheme 2023. Collection method: clinical testing. Allele origin: germline.
Comment: The p.R1676S variant (also known as c.5028A>T), located in coding exon 22 of the DICER1 gene, results from an A to T substitution at nucleotide position 5028. The arginine at codon 1676 is replaced by serine, an amino acid with dissimilar properties. This amino acid position is conserved. In addition, this alteration is predicted to be tolerated by in silico analysis. Based on the available evidence, the clinical significance of this variant remains unclear.

Labcorp Genetics (formerly Invitae), Labcorp
Classification: Uncertain significance for DICER1-related tumor predisposition. Last evaluated: 2025-06-09. Review status: criteria provided, single submitter. Criteria: Invitae Variant Classification Sherloc (09022015). Collection method: clinical testing. Allele origin: germline.
Comment: This sequence change replaces arginine, which is basic and polar, with serine, which is neutral and polar, at codon 1676 of the DICER1 protein (p.Arg1676Ser). This variant is not present in population databases (gnomAD no frequency). This variant has not been reported in the literature in individuals affected with DICER1-related conditions. ClinVar contains an entry for this variant (Variation ID: 477236). Invitae Evidence Modeling of protein sequence and biophysical properties (such as structural, functional, and spatial information, amino acid conservation, physicochemical variation, residue mobility, and thermodynamic stability) indicates that this missense variant is not expected to disrupt DICER1 protein function with a negative predictive value of 95%. In summary, the available evidence is currently insufficient to determine the role of this variant in disease. Therefore, it has been classified as a Variant of Uncertain Significance.

NM_177438.3(DICER1):c.5028A>T (p.Arg1676Ser)

Gene: DICER1 (dicer 1, ribonuclease III; minus strand). Cytogenetic location: 14q32.13.
Variant type: single nucleotide variant.
Coding change: c.5028A>T on transcript NM_177438.3 (MANE Select); coding-DNA position 5028, A replaced by T.
Protein change: p.Arg1676Ser; replaces arginine 1676 with serine.
Molecular consequence: missense variant.
Genome position (GRCh38, 1-based): chr14:95,095,892, T>A on the plus strand (A>T on the coding strand, the complement: DICER1 is on the minus strand). VCF-style: chr14-95095892-T-A. GRCh37 (hg19) VCF-style: chr14-95562229-T-A.
Other names: c.5028A>T, p.Arg1676Ser (NM_001195573.1, NM_001271282.3, NM_001291628.2 and 1 more transcripts); short protein forms R1676S.
Identifiers: ClinVar variation 477236 (VCV000477236.12), dbSNP rs1555367513, ClinGen allele CA390866062.